The following is an entry in ClinVar:

NM_138694.4(PKHD1):c.4428C>A (p.Cys1476Ter)

Gene: PKHD1 (PKHD1 ciliary IPT domain containing fibrocystin/polyductin; minus strand). Cytogenetic location: 6p12.2.
Variant type: single nucleotide variant.
Coding change: c.4428C>A on transcript NM_138694.4 (MANE Select); coding-DNA position 4428, C replaced by A.
Protein change: p.Cys1476Ter; replaces cysteine 1476 with a stop codon.
Molecular consequence: nonsense.
Genome position (GRCh38, 1-based): chr6:52,025,382, G>T on the plus strand (C>A on the coding strand, the complement: PKHD1 is on the minus strand). VCF-style: chr6-52025382-G-T. GRCh37 (hg19) VCF-style: chr6-51890180-G-T.
Other names: c.4428C>A, p.Cys1476Ter (NM_170724.3); short protein forms C1476*.
Identifiers: ClinVar variation 1725473 (VCV001725473.2), dbSNP rs1369026474, ClinGen allele CA364433231.

ClinVar aggregate classification (germline): Likely pathogenic (1 of 4 stars; one submission).

Conditions:
Polycystic kidney disease 4 (PKD4). Also called: POLYCYSTIC KIDNEY AND HEPATIC DISEASE 1; POLYCYSTIC KIDNEY DISEASE, INFANTILE, TYPE I; POLYCYSTIC KIDNEY DISEASE 4 WITH OR WITHOUT POLYCYSTIC LIVER DISEASE; PKD3; Autosomal Recessive Polycystic Kidney Disease – PKHD1. Identifiers: MedGen C4540575, MONDO:0033004, OMIM 263200.

Submission:

Myriad Genetics, Inc.
Classification: Likely pathogenic for Polycystic kidney disease 4. Last evaluated: 2022-03-27. Review status: criteria provided, single submitter. Criteria: Myriad Women's Health Autosomal Recessive and X-Linked Classification Criteria (2021). Collection method: clinical testing. Allele origin: unknown.
Comment: NM_138694.3(PKHD1):c.4428C>A(C1476*) is expected to be pathogenic in the context of autosomal recessive polycystic kidney disease, PKHD1-related. This variant is predicted to lead to an abnormal or absent protein product due to the creation of a premature termination codon in PKHD1, a gene where loss-of-function variants are known to be pathogenic. Please note: this variant was assessed in the context of healthy population screening.